The following is an entry in ClinVar:

ClinVar aggregate classification (germline): Benign (1 of 4 stars; one submission).

Allele frequency attached by ClinVar (database versions not stated): gnomAD exomes 0.00077; 1000 Genomes Project 0.00080; gnomAD 0.00211; 1000 Genomes Project 30x 0.00265.

Submission:

Women's Health and Genetics/Laboratory Corporation of America, LabCorp
Classification: Benign. Last evaluated: 2024-04-01. Review status: criteria provided, single submitter. Criteria: LabCorp Variant Classification Summary - May 2015. Collection method: clinical testing. Allele origin: germline.
Comment: Variant summary: CYP21A2 c.-199C>T is located in the untranscribed region upstream of the CYP21A2 gene region. The variant allele was found at a frequency of 0.0018 in 31348 control chromosomes, predominantly at a frequency of 0.0043 within the African or African-American subpopulation in the gnomAD database. The observed variant frequency within African or African-American control individuals in the gnomAD database is approximately 2.1 fold of the estimated maximal expected allele frequency for a pathogenic variant in CYP21A2 causing Congenital Adrenal Hyperplasia phenotype (0.002), strongly suggesting that the variant is a benign polymorphism found primarily in populations of African or African-American origin. c.-199C>T has been reported in the literature in individuals affected with Congenital Adrenal Hyperplasia who also had other promoter variants without strong evidence of causality (e.g. Lee_2003, Araujo_2005, Zhang_2009, Zhao_2022). These reports do not provide unequivocal conclusions about association of the variant with Congenital Adrenal Hyperplasia. Co-occurrences with another pathogenic variant in cis have been reported (CYP21A2 c.92C>T, p.Pro31Leu; Araujo_2005, Zhao_2022), providing supporting evidence for a benign role. To our knowledge, no experimental evidence demonstrating an impact on protein function has been reported. The following publications have been ascertained in the context of this evaluation (PMID: 12855227, 15670187, 18702679, 36866166). No submitters have cited clinical-significance assessments for this variant to ClinVar. Based on the evidence outlined above, the variant was classified as benign.

Literature cited by the submitters: PubMed 12855227; PubMed 15670187; PubMed 18702679; PubMed 36866166.

NM_000500.9(CYP21A2):c.-199C>T

Genes: CYP21A2 (cytochrome P450 family 21 subfamily A member 2; plus strand), LOC106780800 (CYP21A2 recombination region; plus strand), LOC110631417 (CYP21A2 5' regulatory region; plus strand). Cytogenetic location: 6p21.33.
Variant type: single nucleotide variant.
Coding change: c.-199C>T on transcript NM_000500.9 (MANE Select); 199 bases upstream of the start codon, C replaced by T.
Genome position (GRCh38, 1-based): chr6:32,038,224, C>T. VCF-style: chr6-32038224-C-T. GRCh37 (hg19) VCF-style: chr6-32006001-C-T.
Identifiers: ClinVar variation 3251606 (VCV003251606.1), dbSNP rs557449788.